The following is an entry in ClinVar:

ClinVar aggregate classification (germline): Uncertain significance (1 of 4 stars; one submission).

Conditions:
Granulomatous disease, chronic, autosomal recessive, cytochrome b-positive, type 3. Also called: GRANULOMATOUS DISEASE, CHRONIC, AUTOSOMAL RECESSIVE, 3; CGD, AUTOSOMAL RECESSIVE CYTOCHROME b-POSITIVE, TYPE III; GRANULOMATOUS DISEASE, CHRONIC, DUE TO NCF4 DEFICIENCY; Granulomatous disease, chronic, autosomal recessive, cytochrome b-positive, type III. Identifiers: Orphanet 379, MedGen C3151409, MONDO:0013507, OMIM 613960.

Allele frequency attached by ClinVar (database versions not stated): gnomAD exomes 0.00002 and 0.00003; TOPMed 0.00002; ExAC 0.00004; gnomAD 0.00004 and 0.00005.
gnomAD v4.1: 44 of 1,610,454 alleles (0.0027%); highest among the groups gnomAD compares: Non-Finnish European, 0.0032%; no homozygotes.

Submission:

Labcorp Genetics (formerly Invitae), Labcorp
Classification: Uncertain significance for Granulomatous disease, chronic, autosomal recessive, cytochrome b-positive, type 3. Last evaluated: 2019-03-14. Review status: criteria provided, single submitter. Criteria: Invitae Variant Classification Sherloc (09022015). Collection method: clinical testing. Allele origin: germline.
Comment: In summary, the available evidence is currently insufficient to determine the role of this variant in disease. Therefore, it has been classified as a Variant of Uncertain Significance. Algorithms developed to predict the effect of missense changes on protein structure and function output the following: SIFT: "Deleterious"; PolyPhen-2: "Possibly Damaging"; Align-GVGD: "Class C65". The cysteine amino acid residue is found in multiple mammalian species, suggesting that this missense change does not adversely affect protein function. These predictions have not been confirmed by published functional studies and their clinical significance is uncertain. This variant has not been reported in the literature in individuals with NCF4-related conditions. This variant is present in population databases (rs752651381, ExAC 0.01%). This sequence change replaces tyrosine with cysteine at codon 348 of the NCF4 protein (p.Tyr348Cys). The tyrosine residue is weakly conserved and there is a large physicochemical difference between tyrosine and cysteine.

NM_000631.5(NCF4):c.798A>G (p.Leu266=)

Gene: NCF4 (neutrophil cytosolic factor 4; plus strand). Cytogenetic location: 22q12.3.
Variant type: single nucleotide variant.
Coding change: c.798A>G on transcript NM_000631.5 (MANE Select); coding-DNA position 798, A replaced by G.
Protein change: p.Leu266=; no amino-acid change (leucine 266 retained).
Molecular consequence: synonymous variant. On other transcripts: missense variant (1).
Genome position (GRCh38, 1-based): chr22:36,876,068, A>G. VCF-style: chr22-36876068-A-G. GRCh37 (hg19) VCF-style: chr22-37272110-A-G.
Other names: c.1043A>G, p.Tyr348Cys (NM_013416.4); short protein forms Y348C.
Identifiers: ClinVar variation 856467 (VCV000856467.8), dbSNP rs752651381, ClinGen allele CA10213215.
Genomic context (GRCh38, chr22:36,876,068, plus strand): 5'-TCCAGCCTGTCACCCCCTTAGGGACATCGCGGTGGAGGAAGATCTCAGCAGCACTCCCCT[A>G]TTGAAAGACCTGCTGGAGCTCACAAGGTGAGGGGCTGGGAATGGGGCTGGGGAGTTAGAT-3'
Protein context (NP_000622.2, residues 256-276): AVEEDLSSTP[Leu266=]LKDLLELTRR